The following is an entry in ClinVar:

ClinVar aggregate classification (germline): Uncertain significance (0 of 4 stars; one submission).

Conditions:
MYH14-related disorder. Also called: MYH14-related condition.

Submission:

PreventionGenetics, part of Exact Sciences
Classification: Uncertain significance for MYH14-related condition. Last evaluated: 2024-05-08. Review status: no assertion criteria provided. Collection method: clinical testing. Allele origin: germline.
Comment: The MYH14 c.5038C>G variant is predicted to result in the amino acid substitution p.Leu1680Val. To our knowledge, this variant has not been reported in the literature or in a large population database, indicating this variant is rare. At this time, the clinical significance of this variant is uncertain due to the absence of conclusive functional and genetic evidence.

NM_001145809.2(MYH14):c.5038C>G (p.Leu1680Val)

Gene: MYH14 (myosin heavy chain 14; plus strand). Cytogenetic location: 19q13.33.
Variant type: single nucleotide variant.
Coding change: c.5038C>G on transcript NM_001145809.2 (MANE Select); coding-DNA position 5038, C replaced by G.
Protein change: p.Leu1680Val; replaces leucine 1680 with valine.
Molecular consequence: missense variant.
Genome position (GRCh38, 1-based): chr19:50,290,959, C>G. VCF-style: chr19-50290959-C-G. GRCh37 (hg19) VCF-style: chr19-50794216-C-G.
Other names: c.4939C>G, p.Leu1647Val (NM_001077186.2); c.4915C>G, p.Leu1639Val (NM_024729.4); short protein forms L1639V, L1647V, L1680V.
Identifiers: ClinVar variation 3347182 (VCV003347182.1).